The following is an entry in ClinVar:

ClinVar aggregate classification (germline): Uncertain significance. Review status: criteria provided, multiple submitters, no conflicts (2 of 4 stars). 2 submissions from 2 submitters: Uncertain significance (2). Last evaluated 2025-10-02.

Conditions:
Capillary malformation-arteriovenous malformation syndrome. Also called: Capillary malformation-arteriovenous malformation. Identifiers: Orphanet 137667, MedGen C1842180, MONDO:0012016.

Submissions (2):

Dasa
Classification: Uncertain significance. Last evaluated: 2025-10-02. Review status: criteria provided, single submitter. Criteria: DASA Assertion Criteria. Collection method: clinical testing. Allele origin: germline.
Comment: NM_002890.3(RASA1):c.91C>T (p.Pro31Ser) is a missense variant that results in the substitution of proline with serine. This variant is absent from population databases. Computational prediction algorithms are consistent with a benign effect. The currently available literature and clinical evidence are not sufficient to establish a definitive association between this variant and the reported condition. Therefore, this variant is classified as a variant of uncertain significance.

Labcorp Genetics (formerly Invitae), Labcorp
Classification: Uncertain significance for Capillary malformation-arteriovenous malformation syndrome. Last evaluated: 2022-04-29. Review status: criteria provided, single submitter. Criteria: Invitae Variant Classification Sherloc (09022015). Collection method: clinical testing. Allele origin: germline.
Comment: In summary, the available evidence is currently insufficient to determine the role of this variant in disease. Therefore, it has been classified as a Variant of Uncertain Significance. Algorithms developed to predict the effect of missense changes on protein structure and function are either unavailable or do not agree on the potential impact of this missense change (SIFT: "Tolerated"; PolyPhen-2: "Possibly Damaging"; Align-GVGD: "Class C0"). This variant has not been reported in the literature in individuals affected with RASA1-related conditions. This variant is not present in population databases (gnomAD no frequency). This sequence change replaces proline, which is neutral and non-polar, with serine, which is neutral and polar, at codon 31 of the RASA1 protein (p.Pro31Ser).

NM_002890.3(RASA1):c.91C>T (p.Pro31Ser)

Gene: RASA1 (RAS p21 protein activator 1; plus strand). Cytogenetic location: 5q14.3.
Variant type: single nucleotide variant.
Coding change: c.91C>T on transcript NM_002890.3 (MANE Select); coding-DNA position 91, C replaced by T.
Protein change: p.Pro31Ser; replaces proline 31 with serine.
Molecular consequence: missense variant.
Genome position (GRCh38, 1-based): chr5:87,268,542, C>T. VCF-style: chr5-87268542-C-T. GRCh37 (hg19) VCF-style: chr5-86564359-C-T.
Other names: short protein forms P31S.
Identifiers: ClinVar variation 1974509 (VCV001974509.7), dbSNP rs899534730, ClinGen allele CA122462654.